The following is an entry in ClinVar:

NM_005188.4(CBL):c.1980C>A (p.Asp660Glu)

Gene: CBL (Cbl proto-oncogene; plus strand). Cytogenetic location: 11q23.3.
Variant type: single nucleotide variant.
Coding change: c.1980C>A on transcript NM_005188.4 (MANE Select); coding-DNA position 1980, C replaced by A.
Protein change: p.Asp660Glu; replaces aspartic acid 660 with glutamic acid.
Molecular consequence: missense variant.
Genome position (GRCh38, 1-based): chr11:119,287,890, C>A. VCF-style: chr11-119287890-C-A. GRCh37 (hg19) VCF-style: chr11-119158600-C-A.
Other names: short protein forms D660E.
Identifiers: ClinVar variation 3634400 (VCV003634400.2).

ClinVar aggregate classification (germline): Uncertain significance (1 of 4 stars; one submission).

Conditions:
RASopathy. Also called: rasopathies; Noonan spectrum disorder. Identifiers: Orphanet 536391, MedGen C5555857, MONDO:0021060.

Submission:

Labcorp Genetics (formerly Invitae), Labcorp
Classification: Uncertain significance for RASopathy. Last evaluated: 2024-02-13. Review status: criteria provided, single submitter. Criteria: Invitae Variant Classification Sherloc (09022015). Collection method: clinical testing. Allele origin: germline.
Comment: This sequence change replaces aspartic acid, which is acidic and polar, with glutamic acid, which is acidic and polar, at codon 660 of the CBL protein (p.Asp660Glu). This variant is not present in population databases (gnomAD no frequency). This variant has not been reported in the literature in individuals affected with CBL-related conditions. Advanced modeling of protein sequence and biophysical properties (such as structural, functional, and spatial information, amino acid conservation, physicochemical variation, residue mobility, and thermodynamic stability) performed at Invitae indicates that this missense variant is not expected to disrupt CBL protein function with a negative predictive value of 95%. In summary, the available evidence is currently insufficient to determine the role of this variant in disease. Therefore, it has been classified as a Variant of Uncertain Significance.